The following is an entry in ClinVar:

NM_025099.6(CTC1):c.2561_2573del (p.Val854fs)

Gene: CTC1 (CST telomere replication complex component 1; minus strand). Cytogenetic location: 17p13.1.
Variant type: Deletion.
Coding change: c.2561_2573del on transcript NM_025099.6 (MANE Select); coding-DNA positions 2561 to 2573, 13 bases deleted (TCCAGGACAACTG).
Protein change: p.Val854fs; shifts the reading frame from valine 854.
Molecular consequence: frameshift variant. On other transcripts: non-coding transcript variant (1).
Genome position (GRCh38, 1-based): chr17:8,231,372-8,231,384, CAGTTGTCCTGGA deleted on the plus strand (TCCAGGACAACTG on the coding strand, the reverse complement: CTC1 is on the minus strand); deleting any 13 consecutive bases within chr17:8,231,372-8,231,388 gives the same sequence; the c. name uses the placement nearest the transcript's 3' end. VCF-style (leftmost placement, unchanged base first): chr17-8231371-CCAGTTGTCCTGGA-C. GRCh37 (hg19) VCF-style: chr17-8134689-CCAGTTGTCCTGGA-C.
Other names: short protein forms V854fs.
Identifiers: ClinVar variation 944886 (VCV000944886.8), dbSNP rs1987208048, ClinGen allele CA1139665204.

ClinVar aggregate classification (germline): Pathogenic/Likely pathogenic. Review status: criteria provided, multiple submitters, no conflicts (2 of 4 stars). 2 submissions from 2 submitters: Pathogenic (1); Likely pathogenic (1). Last evaluated 2019-04-19.

Conditions:
CTC1-related disorder. Also called: CTC1-related condition.
Dyskeratosis congenita. Identifiers: Orphanet 1775, MedGen C0265965, MONDO:0015780.

Submissions (2):

Labcorp Genetics (formerly Invitae), Labcorp
Classification: Pathogenic for Dyskeratosis congenita. Last evaluated: 2019-04-19. Review status: criteria provided, single submitter. Criteria: Invitae Variant Classification Sherloc (09022015). Collection method: clinical testing. Allele origin: germline.
Comment: This sequence change creates a premature translational stop signal (p.Val854Glyfs*26) in the CTC1 gene. It is expected to result in an absent or disrupted protein product. This variant is not present in population databases (ExAC no frequency). This variant has not been reported in the literature in individuals with CTC1-related conditions. Loss-of-function variants in CTC1 are known to be pathogenic (PMID: 22267198, 22387016). For these reasons, this variant has been classified as Pathogenic.

Blueprint Genetics
Classification: Likely pathogenic for CTC1-related disorders. Last evaluated: 2018-08-14. Review status: criteria provided, single submitter. Criteria: ACMG Guidelines, 2015. Collection method: clinical testing. Allele origin: germline. Affected: yes. Observed: 1 variant allele.

Literature cited by the submitters: PubMed 22267198 (cited by Labcorp Genetics (formerly Invitae), Labcorp); PubMed 22387016 (cited by Labcorp Genetics (formerly Invitae), Labcorp).